The following is an entry in ClinVar:

NM_001354604.2(MITF):c.1385G>A (p.Gly462Glu)

Gene: MITF (melanocyte inducing transcription factor; plus strand). Cytogenetic location: 3p13.
Variant type: single nucleotide variant.
Coding change: c.1385G>A on transcript NM_001354604.2 (MANE Select); coding-DNA position 1385, G replaced by A.
Protein change: p.Gly462Glu; replaces glycine 462 with glutamic acid.
Molecular consequence: missense variant.
Genome position (GRCh38, 1-based): chr3:69,965,052, G>A. VCF-style: chr3-69965052-G-A. GRCh37 (hg19) VCF-style: chr3-70014203-G-A.
Other names: c.1064G>A, p.Gly355Glu (NM_000248.4); c.1211G>A, p.Gly404Glu (NM_001184967.2, NM_001354608.2); c.1382G>A, p.Gly461Glu (NM_001354605.2); c.1364G>A, p.Gly455Glu (NM_001354606.2, NM_006722.3); c.1316G>A, p.Gly439Glu (NM_001354607.2); c.1046G>A, p.Gly349Glu (NM_198158.3); c.1367G>A, p.Gly456Glu (NM_198159.3); c.1319G>A, p.Gly440Glu (NM_198177.3); and 1 more; short protein forms G293E, G349E, G355E, G404E, G439E, G440E, G455E, G456E.
Identifiers: ClinVar variation 3370181 (VCV003370181.3).

ClinVar aggregate classification (germline): Uncertain significance. Review status: criteria provided, multiple submitters, no conflicts (2 of 4 stars). 3 submissions from 3 submitters: Uncertain significance (3). Last evaluated 2026-03-12.

Conditions:
Melanoma, cutaneous malignant, susceptibility to, 8. Also called: MELANOMA AND RENAL CELL CARCINOMA, SUSCEPTIBILITY TO; Cutaneous malignant melanoma 8. Identifiers: Orphanet 293822, MedGen C3152204, MONDO:0013759, OMIM 614456.
Waardenburg syndrome type 2A (WS2A). Also called: WAARDENBURG SYNDROME WITHOUT DYSTOPIA CANTHORUM. Identifiers: Orphanet 3440, MedGen C1860339, MONDO:0008671, OMIM 193510.
Tietz syndrome (TADS). Also called: ALBINISM-DEAFNESS OF TIETZ; HYPOPIGMENTATION/DEAFNESS OF TIETZ; TIETZ ALBINISM-DEAFNESS SYNDROME. Identifiers: Orphanet 42665, MedGen C0391816, MONDO:0007077, OMIM 103500.
Hereditary cancer-predisposing syndrome. Also called: Hereditary neoplastic syndrome; Tumor predisposition; Neoplastic Syndromes, Hereditary; Hereditary Cancer Syndrome. Identifiers: Orphanet 140162, MedGen C0027672, MeSH D009386, MONDO:0015356.

Submissions (3):

Ambry Genetics
Classification: Uncertain significance for Hereditary cancer-predisposing syndrome. Last evaluated: 2026-03-12. Review status: criteria provided, single submitter. Criteria: Ambry Variant Classification Scheme 2023. Collection method: clinical testing. Allele origin: germline.
Comment: The p.G355E variant (also known as c.1064G>A), located in coding exon 9 of the MITF gene, results from a G to A substitution at nucleotide position 1064. The glycine at codon 355 is replaced by glutamic acid, an amino acid with similar properties. This amino acid position is conserved. In addition, this alteration is predicted to be tolerated by in silico analysis. Based on the available evidence, the clinical significance of this variant remains unclear.

Labcorp Genetics (formerly Invitae), Labcorp
Classification: Uncertain significance for Melanoma, cutaneous malignant, susceptibility to, 8; Waardenburg syndrome type 2A; Tietz syndrome. Last evaluated: 2025-05-11. Review status: criteria provided, single submitter. Criteria: Invitae Variant Classification Sherloc (09022015). Collection method: clinical testing. Allele origin: germline.
Comment: This sequence change replaces glycine, which is neutral and non-polar, with glutamic acid, which is acidic and polar, at codon 355 of the MITF protein (p.Gly355Glu). This variant is not present in population databases (gnomAD no frequency). This variant has not been reported in the literature in individuals affected with MITF-related conditions. ClinVar contains an entry for this variant (Variation ID: 3370181). Invitae Evidence Modeling of protein sequence and biophysical properties (such as structural, functional, and spatial information, amino acid conservation, physicochemical variation, residue mobility, and thermodynamic stability) indicates that this missense variant is not expected to disrupt MITF protein function with a negative predictive value of 80%. In summary, the available evidence is currently insufficient to determine the role of this variant in disease. Therefore, it has been classified as a Variant of Uncertain Significance.

GeneDx
Classification: Uncertain significance. Last evaluated: 2023-12-21. Review status: criteria provided, single submitter. Criteria: GeneDx Variant Classification Process June 2021. Collection method: clinical testing. Allele origin: germline. Affected: yes.
Comment: Not observed at significant frequency in large population cohorts (gnomAD); In silico analysis supports that this missense variant does not alter protein structure/function; Has not been previously published as pathogenic or benign to our knowledge